The following is an entry in ClinVar:

ClinVar aggregate classification (germline): Uncertain significance (1 of 4 stars; one submission).

Submission:

Labcorp Genetics (formerly Invitae), Labcorp
Classification: Uncertain significance. Last evaluated: 2024-11-11. Review status: criteria provided, single submitter. Criteria: Invitae Variant Classification Sherloc (09022015). Collection method: clinical testing. Allele origin: germline.
Comment: This sequence change falls in intron 5 of the SLC12A2 gene. It does not directly change the encoded amino acid sequence of the SLC12A2 protein. It affects a nucleotide within the consensus splice site. This variant is not present in population databases (gnomAD no frequency). This variant has not been reported in the literature in individuals affected with SLC12A2-related conditions. ClinVar contains an entry for this variant (Variation ID: 1360424). Variants that disrupt the consensus splice site are a relatively common cause of aberrant splicing (PMID: 17576681, 9536098). Algorithms developed to predict the effect of sequence changes on RNA splicing suggest that this variant is not likely to affect RNA splicing. In summary, the available evidence is currently insufficient to determine the role of this variant in disease. Therefore, it has been classified as a Variant of Uncertain Significance.

Literature cited by the submitters: PubMed 17576681; PubMed 9536098.

NM_001046.3(SLC12A2):c.1188+4A>G

Gene: SLC12A2 (solute carrier family 12 member 2; plus strand). Cytogenetic location: 5q23.3.
Variant type: single nucleotide variant.
Coding change: c.1188+4A>G on transcript NM_001046.3 (MANE Select); 4 bases into the intron after coding-DNA position 1188, A replaced by G.
Molecular consequence: intron variant.
Genome position (GRCh38, 1-based): chr5:128,131,210, A>G. VCF-style: chr5-128131210-A-G. GRCh37 (hg19) VCF-style: chr5-127466902-A-G.
Other names: c.1188+4A>G (NM_001256461.2).
Identifiers: ClinVar variation 1360424 (VCV001360424.6), dbSNP rs1439322964, ClinGen allele CA803614562.